The following is an entry in ClinVar:

NM_173630.4(RTTN):c.5323+2T>C

Gene: RTTN (rotatin; minus strand). Cytogenetic location: 18q22.2.
Variant type: single nucleotide variant.
Coding change: c.5323+2T>C on transcript NM_173630.4 (MANE Select); the canonical splice donor site of the intron after coding-DNA position 5323, T replaced by C.
Molecular consequence: splice donor variant.
Genome position (GRCh38, 1-based): chr18:70,051,409, A>G on the plus strand (T>C on the coding strand, the complement: RTTN is on the minus strand). VCF-style: chr18-70051409-A-G. GRCh37 (hg19) VCF-style: chr18-67718645-A-G.
Other names: c.2587+2T>C (NM_001318520.2).
Identifiers: ClinVar variation 2841311 (VCV002841311.3), dbSNP rs2511991033, ClinGen allele CA402691315.

ClinVar aggregate classification (germline): Likely pathogenic (1 of 4 stars; one submission).

Submission:

Labcorp Genetics (formerly Invitae), Labcorp
Classification: Likely pathogenic. Last evaluated: 2023-02-27. Review status: criteria provided, single submitter. Criteria: Invitae Variant Classification Sherloc (09022015). Collection method: clinical testing. Allele origin: germline.
Comment: In summary, the currently available evidence indicates that the variant is pathogenic, but additional data are needed to prove that conclusively. Therefore, this variant has been classified as Likely Pathogenic. Algorithms developed to predict the effect of sequence changes on RNA splicing suggest that this variant may disrupt the consensus splice site. This variant has not been reported in the literature in individuals affected with RTTN-related conditions. This variant is not present in population databases (gnomAD no frequency). This sequence change affects a donor splice site in intron 39 of the RTTN gene. It is expected to disrupt RNA splicing. Variants that disrupt the donor or acceptor splice site typically lead to a loss of protein function (PMID: 16199547), and loss-of-function variants in RTTN are known to be pathogenic (PMID: 26608784, 26846091).

Literature cited by the submitters: PubMed 16199547; PubMed 26608784; PubMed 26846091.